The following is an entry in ClinVar:

ClinVar aggregate classification (germline): Likely benign. Review status: criteria provided, multiple submitters, no conflicts (2 of 4 stars). 4 submissions from 4 submitters: Likely benign (4). Last evaluated 2026-05-19.

Conditions:
MYH6-related disorder. Also called: MYH6-related condition; MYH6-Related Disorders.
Cardiovascular phenotype. Identifiers: MedGen CN230736.
Hypertrophic cardiomyopathy 14. Identifiers: MedGen C2750467, MONDO:0013197, OMIM 613251.

Allele frequency attached by ClinVar (database versions not stated): gnomAD 0.00001; TOPMed 0.00001; ExAC 0.00002; 1000 Genomes Project 30x 0.00016; 1000 Genomes Project 0.00020.
gnomAD v4.1: 3 of 1,613,972 alleles (0.00019%); highest among the groups gnomAD compares: African/African-American, 0.0027%; no homozygotes.

Submissions (4):

PreventionGenetics, part of Exact Sciences
Classification: Likely benign for MYH6-related condition. Last evaluated: 2026-05-19. Review status: criteria provided, single submitter. Criteria: ACMG Guidelines, 2015. Collection method: clinical testing. Allele origin: germline.
Comment: This variant is classified as likely benign based on ACMG/AMP sequence variant interpretation guidelines (Richards et al. 2015 PMID: 25741868, with internal and published modifications).

Ambry Genetics
Classification: Likely benign for Cardiovascular phenotype. Last evaluated: 2026-05-14. Review status: criteria provided, single submitter. Criteria: Ambry Variant Classification Scheme 2023. Collection method: clinical testing. Allele origin: germline.

Labcorp Genetics (formerly Invitae), Labcorp
Classification: Likely benign for Hypertrophic cardiomyopathy 14. Last evaluated: 2022-05-03. Review status: criteria provided, single submitter. Criteria: Invitae Variant Classification Sherloc (09022015). Collection method: clinical testing. Allele origin: germline.

Blueprint Genetics
Classification: Likely benign. Last evaluated: 2020-12-23. Review status: criteria provided, single submitter. Criteria: ACMG Guidelines, 2015. Collection method: clinical testing. Allele origin: germline.

NM_002471.4(MYH6):c.2184C>T (p.Asn728=)

Gene: MYH6 (myosin heavy chain 6; minus strand). Cytogenetic location: 14q11.2.
Variant type: single nucleotide variant.
Coding change: c.2184C>T on transcript NM_002471.4 (MANE Select); coding-DNA position 2184, C replaced by T.
Protein change: p.Asn728=; no amino-acid change (asparagine 728 retained).
Molecular consequence: synonymous variant.
Genome position (GRCh38, 1-based): chr14:23,396,802, G>A on the plus strand (C>T on the coding strand, the complement: MYH6 is on the minus strand). VCF-style: chr14-23396802-G-A. GRCh37 (hg19) VCF-style: chr14-23866011-G-A.
Identifiers: ClinVar variation 1998568 (VCV001998568.8), dbSNP rs200813340, ClinGen allele CA7115551.